The following is an entry in ClinVar:

NM_001009944.3(PKD1):c.5758dup (p.Arg1920fs)

Gene: PKD1 (polycystin 1, transient receptor potential channel interacting; minus strand). Cytogenetic location: 16p13.3.
Variant type: Duplication.
Coding change: c.5758dup on transcript NM_001009944.3 (MANE Select); coding-DNA position 5758, one base duplicated (C; older notation c.5758dupC).
Protein change: p.Arg1920fs; shifts the reading frame from arginine 1920.
Molecular consequence: frameshift variant.
Genome position (GRCh38, 1-based): chr16:2,109,409, G duplicated on the plus strand (C on the coding strand, the reverse complement: PKD1 is on the minus strand); the first of 2 consecutive G bases (chr16:2,109,409-2,109,410); duplicating either gives the same sequence. VCF-style (leftmost placement, unchanged base first): chr16-2109408-C-CG. GRCh37 (hg19) VCF-style: chr16-2159409-C-CG.
Other names: c.5758dup, p.Arg1920fs (NM_000296.4); short protein forms R1920fs.
Identifiers: ClinVar variation 4531280 (VCV004531280.1).

ClinVar aggregate classification (germline): Pathogenic (1 of 4 stars; one submission).

Conditions:
Polycystic kidney disease, adult type (PKD1). Also called: Polycystic Kidney, Autosomal Dominant; POLYCYSTIC KIDNEY DISEASE, ADULT, TYPE I; Polycystic Kidney Disease 1, Autosomal Dominant; Polycystic kidney disease 1; Polycystic kidney disease 1, severe; POLYCYSTIC KIDNEY DISEASE 1 WITH OR WITHOUT POLYCYSTIC LIVER DISEASE. Identifiers: MedGen C3149841, MONDO:0008263, OMIM 173900.

Submission:

Juno Genomics, Hangzhou Juno Genomics, Inc
Classification: Pathogenic for Polycystic kidney disease, adult type. Review status: criteria provided, single submitter. Criteria: ACMG Guidelines, 2015. Collection method: clinical testing. Allele origin: germline. Affected: yes.
Comment: Absent from controls (or at extremely low frequency if recessive) in Genome Aggregation Database, Exome Sequencing Project, 1000 Genomes Project, or Exome Aggregation Consortium.;Null variant in a gene where loss of function (LOF) is a known mechanism of disease.;Patient's phenotype or family history is highly specific for a disease with a single genetic etiology.